The following is an entry in ClinVar:

ClinVar aggregate classification (germline): Uncertain significance. Review status: criteria provided, multiple submitters, no conflicts (2 of 4 stars). 2 submissions from 2 submitters: Uncertain significance (2). Last evaluated 2025-06-02.

Allele frequency attached by ClinVar (database versions not stated): TOPMed below 0.00001; ExAC 0.00001; gnomAD 0.00001; gnomAD exomes 0.00001.

Submissions (2):

Labcorp Genetics (formerly Invitae), Labcorp
Classification: Uncertain significance. Last evaluated: 2025-06-02. Review status: criteria provided, single submitter. Criteria: Invitae Variant Classification Sherloc (09022015). Collection method: clinical testing. Allele origin: germline.
Comment: This sequence change replaces threonine, which is neutral and polar, with methionine, which is neutral and non-polar, at codon 132 of the CAMTA1 protein (p.Thr132Met). This variant is present in population databases (rs745529812, gnomAD 0.004%). This variant has not been reported in the literature in individuals affected with CAMTA1-related conditions. ClinVar contains an entry for this variant (Variation ID: 2084368). Invitae Evidence Modeling of protein sequence and biophysical properties (such as structural, functional, and spatial information, amino acid conservation, physicochemical variation, residue mobility, and thermodynamic stability) indicates that this missense variant is expected to disrupt CAMTA1 protein function with a positive predictive value of 80%. In summary, the available evidence is currently insufficient to determine the role of this variant in disease. Therefore, it has been classified as a Variant of Uncertain Significance.

GeneDx
Classification: Uncertain significance. Last evaluated: 2024-04-12. Review status: criteria provided, single submitter. Criteria: GeneDx Variant Classification Process June 2021. Collection method: clinical testing. Allele origin: germline. Affected: yes.
Comment: In silico analysis supports that this missense variant has a deleterious effect on protein structure/function; Has not been previously published as pathogenic or benign to our knowledge

NM_015215.4(CAMTA1):c.395C>T (p.Thr132Met)

Gene: CAMTA1 (calmodulin binding transcription activator 1; plus strand). Cytogenetic location: 1p36.23.
Variant type: single nucleotide variant.
Coding change: c.395C>T on transcript NM_015215.4 (MANE Select); coding-DNA position 395, C replaced by T.
Protein change: p.Thr132Met; replaces threonine 132 with methionine.
Molecular consequence: missense variant.
Genome position (GRCh38, 1-based): chr1:7,249,583, C>T. VCF-style: chr1-7249583-C-T. GRCh37 (hg19) VCF-style: chr1-7309643-C-T.
Other names: c.395C>T (NM_015215.3); c.305C>T, p.Thr102Met (NM_001349608.2, NM_001349612.2); c.395C>T, p.Thr132Met (NM_001349609.2, NM_001349610.2, NM_001410737.1 and 1 more transcripts); short protein forms T102M, T132M.
Identifiers: ClinVar variation 2084368 (VCV002084368.5), dbSNP rs745529812, ClinGen allele CA566141.